The following is an entry in ClinVar:

ClinVar aggregate classification (germline): Uncertain significance. Review status: criteria provided, multiple submitters, no conflicts (2 of 4 stars). 2 submissions from 2 submitters: Uncertain significance (2). Last evaluated 2025-07-25.

Conditions:
Fanconi anemia (FA). Also called: Fanconi's anemia. Identifiers: Orphanet 84, MedGen C0015625, MeSH D005199, MONDO:0019391.
Inborn genetic diseases. Identifiers: MedGen C0950123, MeSH D030342.

gnomAD v4.1: 1 of 1,614,182 alleles (0.000062%); highest among the groups gnomAD compares: Non-Finnish European, 0.000085%; no homozygotes.

Submissions (2):

Labcorp Genetics (formerly Invitae), Labcorp
Classification: Uncertain significance for Fanconi anemia. Last evaluated: 2025-07-25. Review status: criteria provided, single submitter. Criteria: Invitae Variant Classification Sherloc (09022015). Collection method: clinical testing. Allele origin: germline.
Comment: This sequence change replaces glutamic acid, which is acidic and polar, with aspartic acid, which is acidic and polar, at codon 1252 of the FANCA protein (p.Glu1252Asp). This variant is not present in population databases (gnomAD no frequency). This variant has not been reported in the literature in individuals affected with FANCA-related conditions. ClinVar contains an entry for this variant (Variation ID: 2213102). Invitae Evidence Modeling of protein sequence and biophysical properties (such as structural, functional, and spatial information, amino acid conservation, physicochemical variation, residue mobility, and thermodynamic stability) indicates that this missense variant is not expected to disrupt FANCA protein function with a negative predictive value of 95%. In summary, the available evidence is currently insufficient to determine the role of this variant in disease. Therefore, it has been classified as a Variant of Uncertain Significance.

Ambry Genetics
Classification: Uncertain significance for Inborn genetic diseases. Last evaluated: 2024-11-28. Review status: criteria provided, single submitter. Criteria: Ambry Variant Classification Scheme 2023. Collection method: clinical testing. Allele origin: germline.
Comment: The p.E1252D variant (also known as c.3756G>C), located in coding exon 37 of the FANCA gene, results from a G to C substitution at nucleotide position 3756. The glutamic acid at codon 1252 is replaced by aspartic acid, an amino acid with highly similar properties. This amino acid position is conserved. In addition, this alteration is predicted to be tolerated by in silico analysis. Based on the available evidence, the clinical significance of this variant remains unclear.

NM_000135.4(FANCA):c.3756G>C (p.Glu1252Asp)

Gene: FANCA (FA complementation group A; minus strand). Cytogenetic location: 16q24.3.
Variant type: single nucleotide variant.
Coding change: c.3756G>C on transcript NM_000135.4 (MANE Select); coding-DNA position 3756, G replaced by C.
Protein change: p.Glu1252Asp; replaces glutamic acid 1252 with aspartic acid.
Molecular consequence: missense variant.
Genome position (GRCh38, 1-based): chr16:89,742,809, C>G on the plus strand (G>C on the coding strand, the complement: FANCA is on the minus strand). VCF-style: chr16-89742809-C-G. GRCh37 (hg19) VCF-style: chr16-89809217-C-G.
Other names: c.3756G>C, p.Glu1252Asp (NM_001286167.3); short protein forms E1252D.
Identifiers: ClinVar variation 2213102 (VCV002213102.4), dbSNP rs1338462067, ClinGen allele CA397485291.
Genomic context (GRCh38, chr16:89,742,809, plus strand): 5'-TGAAACCAAGCTTGCGAGAAAATAAATCAGTAAAAGAATTTCCTATCTTGCCTCCTCTCT[C>G]TCGCAGTCCAGCTTCTTTAGCTGCTTCCTGATGTTTTCTTCCCTGACTTGTTGAATCGCA-3'
Protein context (NP_000126.2, residues 1242-1262): IRKQLKKLDC[Glu1252Asp]REELLVFLFF